The following is an entry in ClinVar:

ClinVar aggregate classification (germline): Uncertain significance (1 of 4 stars; one submission).

Conditions:
Long QT syndrome (LQTS). Identifiers: MedGen C0023976, MeSH D008133, MONDO:0002442. Disease mechanism: loss of function. Inheritance: Various modes of inheritance.

Allele frequency attached by ClinVar (database versions not stated): gnomAD exomes below 0.00001; ExAC 0.00001; gnomAD 0.00002; TOPMed 0.00003.
gnomAD v4.1: 4 of 1,613,830 alleles (0.00025%); highest among the groups gnomAD compares: African/African-American, 0.0053%; no homozygotes.

Submission:

Labcorp Genetics (formerly Invitae), Labcorp
Classification: Uncertain significance for Long QT syndrome. Last evaluated: 2024-08-14. Review status: criteria provided, single submitter. Criteria: Invitae Variant Classification Sherloc (09022015). Collection method: clinical testing. Allele origin: germline.
Comment: This sequence change creates a premature translational stop signal (p.Gln1116*) in the AKAP9 gene. It is expected to result in an absent or disrupted protein product. However, the current clinical and genetic evidence is not sufficient to establish whether loss-of-function variants in AKAP9 cause disease. This variant is present in population databases (rs757225520, gnomAD 0.007%). This variant has not been reported in the literature in individuals affected with AKAP9-related conditions. ClinVar contains an entry for this variant (Variation ID: 1520428). Algorithms developed to predict the effect of sequence changes on RNA splicing suggest that this variant may disrupt the consensus splice site. In summary, the available evidence is currently insufficient to determine the role of this variant in disease. Therefore, it has been classified as a Variant of Uncertain Significance.

NM_005751.5(AKAP9):c.3346C>T (p.Gln1116Ter)

Gene: AKAP9 (A-kinase anchoring protein 9; plus strand). Cytogenetic location: 7q21.2.
Variant type: single nucleotide variant.
Coding change: c.3346C>T on transcript NM_005751.5 (MANE Select); coding-DNA position 3346, C replaced by T.
Protein change: p.Gln1116Ter; replaces glutamine 1116 with a stop codon.
Molecular consequence: nonsense.
Genome position (GRCh38, 1-based): chr7:92,012,456, C>T. VCF-style: chr7-92012456-C-T. GRCh37 (hg19) VCF-style: chr7-91641770-C-T.
Other names: c.3346C>T, p.Gln1116Ter (NM_147185.3); short protein forms Q1116*.
Identifiers: ClinVar variation 1520428 (VCV001520428.6), dbSNP rs757225520, ClinGen allele CA4336290.